The following is an entry in ClinVar:

ClinVar aggregate classification (germline): Uncertain significance. Review status: criteria provided, multiple submitters, no conflicts (2 of 4 stars). 3 submissions from 3 submitters: Uncertain significance (3). Last evaluated 2023-03-06.

Allele frequency attached by ClinVar (database versions not stated): gnomAD exomes 0.00002 and 0.00003; ExAC 0.00003; gnomAD 0.00005 and 0.00006; TOPMed 0.00005; ESP Exome Variant Server 0.00008.

Submissions (3):

Revvity Omics, Revvity
Classification: Uncertain significance. Last evaluated: 2023-03-06. Review status: criteria provided, single submitter. Criteria: ACMG Guidelines, 2015. Collection method: clinical testing. Allele origin: germline.

Labcorp Genetics (formerly Invitae), Labcorp
Classification: Uncertain significance. Last evaluated: 2020-12-23. Review status: criteria provided, single submitter. Criteria: Invitae Variant Classification Sherloc (09022015). Collection method: clinical testing. Allele origin: germline.
Comment: This sequence change replaces glutamic acid with lysine at codon 257 of the SLC4A1 protein (p.Glu257Lys). The glutamic acid residue is weakly conserved and there is a small physicochemical difference between glutamic acid and lysine. This variant is present in population databases (rs142195740, ExAC 0.006%). This variant has not been reported in the literature in individuals with SLC4A1-related conditions. Algorithms developed to predict the effect of missense changes on protein structure and function output the following: SIFT: "Tolerated"; PolyPhen-2: "Benign"; Align-GVGD: "Class C0". The lysine amino acid residue is found in multiple mammalian species, suggesting that this missense change does not adversely affect protein function. These predictions have not been confirmed by published functional studies and their clinical significance is uncertain. In summary, the available evidence is currently insufficient to determine the role of this variant in disease. Therefore, it has been classified as a Variant of Uncertain Significance.

Mayo Clinic Laboratories, Mayo Clinic
Classification: Uncertain significance. Last evaluated: 2020-05-15. Review status: criteria provided, single submitter. Criteria: ACMG Guidelines, 2015. Collection method: clinical testing. Allele origin: germline. Observed: 1 variant allele.

NM_000342.4(SLC4A1):c.769G>A (p.Glu257Lys)

Gene: SLC4A1 (solute carrier family 4 member 1 (Diego blood group); minus strand). Cytogenetic location: 17q21.31.
Variant type: single nucleotide variant.
Coding change: c.769G>A on transcript NM_000342.4 (MANE Select); coding-DNA position 769, G replaced by A.
Protein change: p.Glu257Lys; replaces glutamic acid 257 with lysine.
Molecular consequence: missense variant.
Genome position (GRCh38, 1-based): chr17:44,259,270, C>T on the plus strand (G>A on the coding strand, the complement: SLC4A1 is on the minus strand). VCF-style: chr17-44259270-C-T. GRCh37 (hg19) VCF-style: chr17-42336638-C-T.
Other names: short protein forms E257K.
Identifiers: ClinVar variation 1162820 (VCV001162820.13), dbSNP rs142195740, ClinGen allele CA8600470.
Genomic context (GRCh38, chr17:44,259,270, plus strand): 5'-CGATGTGGGGGGCCTCAGGTCCCAGCAACACAAAGAGGAAGCGTATAGGCACCGGCAGCT[C>T]CACCGCCTCCAGCTCCGCTGCCTCCTGCAGCCTCACGAAGCCCAGCACCGGCTGCTCCAG-3'
Protein context (NP_000333.1, residues 247-267): LQEAAELEAV[Glu257Lys]LPVPIRFLFV